The following is an entry in ClinVar:

ClinVar aggregate classification (germline): Uncertain significance (1 of 4 stars; one submission).

Conditions:
RASopathy. Also called: rasopathies; Noonan spectrum disorder. Identifiers: Orphanet 536391, MedGen C5555857, MONDO:0021060.

gnomAD v4.1: 1 of 1,614,092 alleles (0.000062%); highest among the groups gnomAD compares: Non-Finnish European, 0.000085%; no homozygotes.

Submission:

Labcorp Genetics (formerly Invitae), Labcorp
Classification: Uncertain significance for RASopathy. Last evaluated: 2023-12-17. Review status: criteria provided, single submitter. Criteria: Invitae Variant Classification Sherloc (09022015). Collection method: clinical testing. Allele origin: germline.
Comment: This sequence change replaces glutamic acid, which is acidic and polar, with lysine, which is basic and polar, at codon 1074 of the SOS1 protein (p.Glu1074Lys). This variant is not present in population databases (gnomAD no frequency). This variant has not been reported in the literature in individuals affected with SOS1-related conditions. Advanced modeling of protein sequence and biophysical properties (such as structural, functional, and spatial information, amino acid conservation, physicochemical variation, residue mobility, and thermodynamic stability) has been performed at Invitae for this missense variant, however the output from this modeling did not meet the statistical confidence thresholds required to predict the impact of this variant on SOS1 protein function. In summary, the available evidence is currently insufficient to determine the role of this variant in disease. Therefore, it has been classified as a Variant of Uncertain Significance.

NM_005633.4(SOS1):c.3220G>A (p.Glu1074Lys)

Gene: SOS1 (SOS Ras/Rac guanine nucleotide exchange factor 1; minus strand). Cytogenetic location: 2p22.1.
Variant type: single nucleotide variant.
Coding change: c.3220G>A on transcript NM_005633.4 (MANE Select); coding-DNA position 3220, G replaced by A.
Protein change: p.Glu1074Lys; replaces glutamic acid 1074 with lysine.
Molecular consequence: missense variant.
Genome position (GRCh38, 1-based): chr2:38,995,249, C>T on the plus strand (G>A on the coding strand, the complement: SOS1 is on the minus strand). VCF-style: chr2-38995249-C-T. GRCh37 (hg19) VCF-style: chr2-39222390-C-T.
Other names: c.3199G>A, p.Glu1067Lys (NM_001382394.1); c.3220G>A, p.Glu1074Lys (NM_001382395.1); short protein forms E1074K, E1067K.
Identifiers: ClinVar variation 2919360 (VCV002919360.3), dbSNP rs2528915031, ClinGen allele CA346360767.